The following is an entry in ClinVar:

ClinVar aggregate classification (germline): Likely pathogenic (1 of 4 stars; one submission).

Conditions:
46,XX ovarian dysgenesis-short stature syndrome (ODG4). Also called: OVARIAN DYSGENESIS 4. Identifiers: Orphanet 444048, MedGen C4015409, MONDO:0014520, OMIM 616185.

Allele frequency attached by ClinVar (database versions not stated): gnomAD exomes 0.00002; gnomAD 0.00003; TOPMed 0.00005; ExAC 0.00025.
gnomAD v4.1: 43 of 1,546,670 alleles (0.0028%); highest among the groups gnomAD compares: African/African-American, 0.0014%; no homozygotes.

Submission:

Victorian Clinical Genetics Services, Murdoch Childrens Research Institute
Classification: Likely pathogenic for 46,XX ovarian dysgenesis-short stature syndrome. Last evaluated: 2023-12-21. Review status: criteria provided, single submitter. Criteria: ACMG Guidelines, 2015. Collection method: clinical testing. Allele origin: germline. Inheritance: Autosomal recessive inheritance. Affected: yes.
Comment: Based on the classification scheme VCGS_Germline_v1.3.4, this variant is classified as Likely pathogenic. Following criteria are met: 0102 - Loss of function is a likely mechanism of disease in this gene and is associated with ovarian dysgenesis 4 (MIM#616185). (I) 0106 - This gene is associated with autosomal recessive disease. (I) 0210 - Splice site variant proven to affect splicing of the transcript with a known effect on protein sequence. RNA studies performed on this individual PBMC demonstrated an increase in transcripts with exon 11 skipped (Splicing Diagnostics, Kids Neuroscience Centre, NSW, Australia). (SP) 0251 - This variant is heterozygous. (I) 0304 - Variant is present in gnomAD (v2) <0.01 for a recessive condition (12 heterozygotes, 0 homozygotes). (SP) 0705 - No comparable non-canonical splice variants have previous evidence for pathogenicity. (I) 0807 - This variant has no previous evidence of pathogenicity. (I) 0905 - No published segregation evidence has been identified for this variant. (I) 1007 - No published functional evidence has been identified for this variant. (I) 1201 - Heterozygous variant detected in trans with a pathogenic heterozygous variant (NM_017696.2(MCM9):c.672_673delinsC; p.(Glu225Lysfs*4)) in a recessive disease. (I) Legend: (SP) - Supporting pathogenic, (I) - Information, (SB) - Supporting benign

NM_017696.3(MCM9):c.1529-7C>G

Gene: MCM9 (minichromosome maintenance 9 homologous recombination repair factor; minus strand). Cytogenetic location: 6q22.31.
Variant type: single nucleotide variant.
Coding change: c.1529-7C>G on transcript NM_017696.3 (MANE Select); 7 bases into the intron before coding-DNA position 1529, C replaced by G.
Molecular consequence: intron variant.
Genome position (GRCh38, 1-based): chr6:118,828,137, G>C on the plus strand (C>G on the coding strand, the complement: MCM9 is on the minus strand). VCF-style: chr6-118828137-G-C. GRCh37 (hg19) VCF-style: chr6-119149300-G-C.
Other names: c.1403-7C>G (NM_001378366.1); c.1528+911C>G (NM_001378364.1); c.1529-7C>G (NM_001378360.1, NM_001378356.1, NM_001378359.1 and 1 more transcripts); c.1331-7C>G (NM_001378367.1).
Identifiers: ClinVar variation 3254812 (VCV003254812.1), dbSNP rs772472098.